The following is an entry in ClinVar:

ClinVar aggregate classification (germline): Uncertain significance (1 of 4 stars; one submission).

Conditions:
Atrioventricular septal defect 5 (AVSD5). Identifiers: MedGen C3280939, MONDO:0013769, OMIM 614474.

gnomAD v4.1: 5 of 1,531,558 alleles (0.00033%); highest among the groups gnomAD compares: Non-Finnish European, 0.00044%; no homozygotes.

Submission:

Labcorp Genetics (formerly Invitae), Labcorp
Classification: Uncertain significance for Atrioventricular septal defect 5. Last evaluated: 2022-10-19. Review status: criteria provided, single submitter. Criteria: Invitae Variant Classification Sherloc (09022015). Collection method: clinical testing. Allele origin: germline.
Comment: This sequence change falls in intron 2 of the GATA6 gene. It does not directly change the encoded amino acid sequence of the GATA6 protein. It affects a nucleotide within the consensus splice site. The frequency data for this variant in the population databases is considered unreliable, as metrics indicate poor data quality at this position in the gnomAD database. This variant has not been reported in the literature in individuals affected with GATA6-related conditions. Variants that disrupt the consensus splice site are a relatively common cause of aberrant splicing (PMID: 17576681, 9536098). Algorithms developed to predict the effect of sequence changes on RNA splicing suggest that this variant is not likely to affect RNA splicing. In summary, the available evidence is currently insufficient to determine the role of this variant in disease. Therefore, it has been classified as a Variant of Uncertain Significance.

Literature cited by the submitters: PubMed 17576681; PubMed 9536098.

NM_005257.6(GATA6):c.1135+6G>A

Gene: GATA6 (GATA binding protein 6; plus strand). Cytogenetic location: 18q11.2.
Variant type: single nucleotide variant.
Coding change: c.1135+6G>A on transcript NM_005257.6 (MANE Select); 6 bases into the intron after coding-DNA position 1135, G replaced by A.
Molecular consequence: intron variant.
Genome position (GRCh38, 1-based): chr18:22,172,285, G>A. VCF-style: chr18-22172285-G-A. GRCh37 (hg19) VCF-style: chr18-19752246-G-A.
Identifiers: ClinVar variation 2195847 (VCV002195847.4), dbSNP rs1181988327, ClinGen allele CA628980353.